The following is an entry in ClinVar:

NM_014244.5(ADAMTS2):c.3014C>T (p.Ala1005Val)

Gene: ADAMTS2 (ADAM metallopeptidase with thrombospondin type 1 motif 2; minus strand). Cytogenetic location: 5q35.3.
Variant type: single nucleotide variant.
Coding change: c.3014C>T on transcript NM_014244.5 (MANE Select); coding-DNA position 3014, C replaced by T.
Protein change: p.Ala1005Val; replaces alanine 1005 with valine.
Molecular consequence: missense variant.
Genome position (GRCh38, 1-based): chr5:179,122,718, G>A on the plus strand (C>T on the coding strand, the complement: ADAMTS2 is on the minus strand). VCF-style: chr5-179122718-G-A. GRCh37 (hg19) VCF-style: chr5-178549719-G-A.
Other names: p.Ala1005Val; short protein forms A1005V.
Identifiers: ClinVar variation 390199 (VCV000390199.34), dbSNP rs79330641, ClinGen allele CA3595330.

ClinVar aggregate classification (germline): Benign/Likely benign. Review status: criteria provided, multiple submitters, no conflicts (2 of 4 stars). 7 submissions from 7 submitters: Benign (4); Likely benign (2). 1 of the submissions does not count toward it. Last evaluated 2026-02-02.

Conditions:
Ehlers-Danlos syndrome (EDS). Identifiers: Orphanet 98249, MedGen C0013720, MONDO:0020066.
Ehlers-Danlos syndrome, dermatosparaxis type. Also called: EDS VIIC; Dermatosparaxis; Ehlers-Danlos syndrome, type VII, autosomal recessive. Identifiers: Orphanet 1901, MedGen C2700425, MONDO:0009161, OMIM 225410.

Allele frequency attached by ClinVar (database versions not stated): gnomAD exomes 0.00074 and 0.00161; ExAC 0.00301; TOPMed 0.00671; gnomAD 0.00674 and 0.00719; ESP Exome Variant Server 0.00676; 1000 Genomes Project 30x 0.00734.
gnomAD v4.1: 2,149 of 1,552,394 alleles (0.14%); highest among the groups gnomAD compares: African/African-American, 2.4%; 23 homozygotes.

Submissions (7):

Labcorp Genetics (formerly Invitae), Labcorp
Classification: Benign for Ehlers-Danlos syndrome, dermatosparaxis type. Last evaluated: 2026-02-02. Review status: criteria provided, single submitter. Criteria: Invitae Variant Classification Sherloc (09022015). Collection method: clinical testing. Allele origin: germline.

Women's Health and Genetics/Laboratory Corporation of America, LabCorp
Classification: Likely benign. Last evaluated: 2026-01-22. Review status: criteria provided, single submitter. Criteria: LabCorp Variant Classification Summary - May 2015. Collection method: clinical testing. Allele origin: germline.

Mayo Clinic Laboratories, Mayo Clinic
Classification: Benign. Last evaluated: 2022-05-19. Review status: criteria provided, single submitter. Criteria: ACMG Guidelines, 2015. Collection method: clinical testing. Allele origin: germline. Observed: 10 variant alleles.
Comment: BS1, BS2, BP4

Genome Diagnostics Laboratory, The Hospital for Sick Children
Classification: Likely benign for Ehlers-Danlos syndrome. Last evaluated: 2019-12-01. Review status: criteria provided, single submitter. Criteria: ACMG Guidelines, 2015. Collection method: clinical testing. Allele origin: germline.

GeneDx
Classification: Benign. Last evaluated: 2018-08-14. Review status: criteria provided, single submitter. Criteria: GeneDx Variant Classification Process June 2021. Collection method: clinical testing. Allele origin: germline. Affected: yes.

Illumina Laboratory Services, Illumina
Classification: Benign for Ehlers-Danlos syndrome, dermatosparaxis type. Last evaluated: 2018-01-12. Review status: criteria provided, single submitter. Criteria: ICSL Variant Classification Criteria 13 December 2019. Collection method: clinical testing. Allele origin: germline.
Comment: This variant was observed in the ICSL laboratory as part of a predisposition screen in an ostensibly healthy population. It had not been previously curated by ICSL or reported in the Human Gene Mutation Database (HGMD: prior to June 1st, 2018), and was therefore a candidate for classification through an automated scoring system. Utilizing variant allele frequency, disease prevalence and penetrance estimates, and inheritance mode, an automated score was calculated to assess if this variant is too frequent to cause the disease. Based on the score and internal cut-off values, a variant classified as benign is not then subjected to further curation. The score for this variant resulted in a classification of benign for this disease.

Natera, Inc.
Classification: Benign for Ehlers-Danlos syndrome type VIIC. Last evaluated: 2019-12-02. Review status: no assertion criteria provided. Collection method: clinical testing. Allele origin: germline. Not counted in ClinVar's aggregate classification.